The following is an entry in ClinVar:

ClinVar aggregate classification (germline): Uncertain significance (1 of 4 stars; one submission).

gnomAD v4.1: 5 of 1,612,720 alleles (0.00031%); highest among the groups gnomAD compares: Non-Finnish European, 0.00042%; no homozygotes.

Submission:

GeneDx
Classification: Uncertain significance. Last evaluated: 2024-09-11. Review status: criteria provided, single submitter. Criteria: GeneDx Variant Classification Process June 2021. Collection method: clinical testing. Allele origin: germline. Affected: yes.
Comment: Not observed at significant frequency in large population cohorts (gnomAD); Missense variant in a gene in which most reported pathogenic variants are truncating/loss of function; Has not been previously published as pathogenic or benign to our knowledge; Located in the A-band region of TTN in which the majority of loss of function variants have been associated with autosomal dominant titinopathies (PMID: 22335739)

NM_001267550.2(TTN):c.70970T>C (p.Val23657Ala)

Genes: TTN-AS1 (TTN antisense RNA 1; plus strand), TTN (titin; minus strand). Cytogenetic location: 2q31.2.
Variant type: single nucleotide variant.
Coding change: c.70970T>C on transcript NM_001267550.2 (MANE Select); coding-DNA position 70970, T replaced by C.
Protein change: p.Val23657Ala; replaces valine 23657 with alanine.
Molecular consequence: missense variant.
Genome position (GRCh38, 1-based): chr2:178,575,162, A>G on the plus strand (T>C on the coding strand, the complement: TTN is on the minus strand). VCF-style: chr2-178575162-A-G. GRCh37 (hg19) VCF-style: chr2-179439889-A-G.
Other names: c.66047T>C, p.Val22016Ala (NM_001256850.1); c.43775T>C, p.Val14592Ala (NM_003319.4); c.63266T>C, p.Val21089Ala (NM_133378.4); c.44150T>C, p.Val14717Ala (NM_133432.3); c.44351T>C, p.Val14784Ala (NM_133437.4); short protein forms V14592A, V14717A, V14784A, V21089A, V22016A, V23657A.
Identifiers: ClinVar variation 3769937 (VCV003769937.1).